The following is an entry in ClinVar:

NM_001365951.3(KIF1B):c.82A>C (p.Ile28Leu)

Genes: KIF1B (kinesin family member 1B; plus strand), LOC129388446 (MPRA-validated peak64 silencer; plus strand). Cytogenetic location: 1p36.22.
Variant type: single nucleotide variant.
Coding change: c.82A>C on transcript NM_001365951.3 (MANE Select); coding-DNA position 82, A replaced by C.
Protein change: p.Ile28Leu; replaces isoleucine 28 with leucine.
Molecular consequence: missense variant.
Genome position (GRCh38, 1-based): chr1:10,232,410, A>C. VCF-style: chr1-10232410-A-C. GRCh37 (hg19) VCF-style: chr1-10292468-A-C.
Other names: c.82A>C, p.Ile28Leu (NM_001365952.1, NM_001365953.1, NM_015074.3 and 1 more transcripts); short protein forms I28L.
Identifiers: ClinVar variation 852508 (VCV000852508.11), dbSNP rs1646994908, ClinGen allele CA338316399.

ClinVar aggregate classification (germline): Uncertain significance. Review status: criteria provided, multiple submitters, no conflicts (2 of 4 stars). 2 submissions from 2 submitters: Uncertain significance (2). Last evaluated 2026-05-12.

Conditions:
Charcot-Marie-Tooth disease type 2. Also called: Charcot-Marie-Tooth type 2. Identifiers: Orphanet 64746, MedGen C0270914, MONDO:0018993.

Submissions (2):

Ambry Genetics
Classification: Uncertain significance. Last evaluated: 2026-05-12. Review status: criteria provided, single submitter. Criteria: Ambry Variant Classification Scheme 2023. Collection method: clinical testing. Allele origin: germline.
Comment: The p.I28L variant (also known as c.82A>C), located in coding exon 1 of the KIF1B gene, results from an A to C substitution at nucleotide position 82. The isoleucine at codon 28 is replaced by leucine, an amino acid with highly similar properties. This amino acid position is highly conserved in available vertebrate species. In addition, the in silico prediction for this alteration is inconclusive. Based on the available evidence, the clinical significance of this variant remains unclear.

Labcorp Genetics (formerly Invitae), Labcorp
Classification: Uncertain significance for Charcot-Marie-Tooth disease type 2. Last evaluated: 2019-01-05. Review status: criteria provided, single submitter. Criteria: Invitae Variant Classification Sherloc (09022015). Collection method: clinical testing. Allele origin: germline.
Comment: In summary, the available evidence is currently insufficient to determine the role of this variant in disease. Therefore, it has been classified as a Variant of Uncertain Significance. Algorithms developed to predict the effect of missense changes on protein structure and function are either unavailable or do not agree on the potential impact of this missense change (SIFT: "Tolerated"; PolyPhen-2: "Possibly Damaging"; Align-GVGD: "Class C0"). This variant has not been reported in the literature in individuals with KIF1B-related conditions. This variant is not present in population databases (ExAC no frequency). This sequence change replaces isoleucine with leucine at codon 28 of the KIF1B protein (p.Ile28Leu). The isoleucine residue is highly conserved and there is a small physicochemical difference between isoleucine and leucine.